The following is an entry in ClinVar:

NM_000540.3(RYR1):c.7881G>T (p.Val2627=)

Gene: RYR1 (ryanodine receptor 1; plus strand). Cytogenetic location: 19q13.2.
Variant type: single nucleotide variant.
Coding change: c.7881G>T on transcript NM_000540.3 (MANE Select); coding-DNA position 7881, G replaced by T.
Protein change: p.Val2627=; no amino-acid change (valine 2627 retained).
Molecular consequence: synonymous variant.
Genome position (GRCh38, 1-based): chr19:38,502,925, G>T. VCF-style: chr19-38502925-G-T. GRCh37 (hg19) VCF-style: chr19-38993565-G-T.
Other names: c.7881G>T, p.Val2627= (NM_001042723.2).
Identifiers: ClinVar variation 3072374 (VCV003072374.1), dbSNP rs201877620, ClinGen allele CA507354060.

ClinVar aggregate classification (germline): Likely benign (1 of 4 stars; one submission).

Conditions:
Malignant hyperthermia, susceptibility to, 1 (MHS1). Also called: Anesthesia related hyperthermia; Malignant hyperpyrexia; Fulminating hyperpyrexia; Pharmacogenic myopathy; RYR1-Related Malignant Hyperthermia Susceptibility; Malignant hyperthermia suceptibility 1. Identifiers: Orphanet 423, MedGen C2930980, MONDO:0007783, OMIM 145600.

gnomAD v4.1: 9 of 1,611,738 alleles (0.00056%); highest among the groups gnomAD compares: Non-Finnish European, 0.00076%; no homozygotes.

Submission:

All of Us Research Program, National Institutes of Health
Classification: Likely benign for Malignant hyperthermia, susceptibility to, 1. Last evaluated: 2023-07-10. Review status: criteria provided, single submitter. Criteria: ACMG Guidelines, 2015. Collection method: clinical testing. Allele origin: germline. Inheritance: Autosomal dominant inheritance. Observed: 1 variant allele, 1 heterozygote.
Comment: This study involves interpretation of variants in research participants for the purpose of population health screening. Participant phenotype was not available at the time of variant classification. Additional details can be found in publication PMID: 35346344, PMCID: PMC8962531